The following is an entry in ClinVar:

NM_014855.3(AP5Z1):c.2365dup (p.Leu789fs)

Gene: AP5Z1 (adaptor related protein complex 5 subunit zeta 1; plus strand). Cytogenetic location: 7p22.1.
Variant type: Duplication.
Coding change: c.2365dup on transcript NM_014855.3 (MANE Select); coding-DNA position 2365, one base duplicated (C; older notation c.2365dupC).
Protein change: p.Leu789fs; shifts the reading frame from leucine 789.
Molecular consequence: frameshift variant. On other transcripts: non-coding transcript variant (1).
Genome position (GRCh38, 1-based): chr7:4,791,326, C duplicated; the last of 4 consecutive C bases (chr7:4,791,323-4,791,326); duplicating any one gives the same sequence. VCF-style (leftmost placement, unchanged base first): chr7-4791322-G-GC. GRCh37 (hg19) VCF-style: chr7-4830953-G-GC.
Other names: p.Leu789Profs*92; c.1897dup, p.Leu633fs (NM_001364858.1); short protein forms L633fs, L789fs.
Identifiers: ClinVar variation 4541261 (VCV004541261.1).

ClinVar aggregate classification (germline): Uncertain significance (1 of 4 stars; one submission).

Submission:

Mayo Clinic Laboratories, Mayo Clinic
Classification: Uncertain significance. Last evaluated: 2025-11-01. Review status: criteria provided, single submitter. Criteria: ACMG Guidelines, 2015. Collection method: clinical testing. Allele origin: germline. Observed: 1 variant allele.
Comment: PM2_supporting, PVS1_moderate